The following is an entry in ClinVar:

NM_053025.4(MYLK):c.2225G>A (p.Cys742Tyr)

Gene: MYLK (myosin light chain kinase; minus strand). Cytogenetic location: 3q21.1.
Variant type: single nucleotide variant.
Coding change: c.2225G>A on transcript NM_053025.4 (MANE Select); coding-DNA position 2225, G replaced by A.
Protein change: p.Cys742Tyr; replaces cysteine 742 with tyrosine.
Molecular consequence: missense variant.
Genome position (GRCh38, 1-based): chr3:123,707,919, C>T on the plus strand (G>A on the coding strand, the complement: MYLK is on the minus strand). VCF-style: chr3-123707919-C-T. GRCh37 (hg19) VCF-style: chr3-123426766-C-T.
Other names: c.1697G>A, p.Cys566Tyr (NM_001321309.2); c.2018G>A, p.Cys673Tyr (NM_053026.4, NM_053028.4); c.2225G>A, p.Cys742Tyr (NM_053027.4); short protein forms C566Y, C673Y, C742Y.
Identifiers: ClinVar variation 1063120 (VCV001063120.9), dbSNP rs2108635885, ClinGen allele CA354234007.
Genomic context (GRCh38, chr3:123,707,919, plus strand): 5'-CAGAGGGCTTTGCCATCTCTGAGCCAGTGCACGGTAGGAAAGGGGTCACCAGCTATGGCG[C>T]AGGAGATGAGGACACTCTGGCCCAGGGAGGCTGTCACTGAGCGAGGCTTACTGATGAACC-3'
Protein context (NP_444253.3, residues 732-752): ASLGQSVLIS[Cys742Tyr]AIAGDPFPTV

ClinVar aggregate classification (germline): Uncertain significance (1 of 4 stars; one submission).

Conditions:
Aortic aneurysm, familial thoracic 7 (AAT7). Also called: AORTIC DISSECTION, FAMILIAL, WITH OR WITHOUT AORTIC ANEURYSM. Identifiers: MedGen C3151077, MONDO:0013418, OMIM 613780.

Submission:

Labcorp Genetics (formerly Invitae), Labcorp
Classification: Uncertain significance for Aortic aneurysm, familial thoracic 7. Last evaluated: 2022-08-16. Review status: criteria provided, single submitter. Criteria: Invitae Variant Classification Sherloc (09022015). Collection method: clinical testing. Allele origin: germline.
Comment: This variant is not present in population databases (gnomAD no frequency). This sequence change replaces cysteine, which is neutral and slightly polar, with tyrosine, which is neutral and polar, at codon 742 of the MYLK protein (p.Cys742Tyr). In summary, the available evidence is currently insufficient to determine the role of this variant in disease. Therefore, it has been classified as a Variant of Uncertain Significance. Advanced modeling of protein sequence and biophysical properties (such as structural, functional, and spatial information, amino acid conservation, physicochemical variation, residue mobility, and thermodynamic stability) performed at Invitae indicates that this missense variant is not expected to disrupt MYLK protein function. ClinVar contains an entry for this variant (Variation ID: 1063120). This variant has not been reported in the literature in individuals affected with MYLK-related conditions.